The following is an entry in ClinVar:

NM_005251.3(FOXC2):c.744C>T (p.Pro248=)

Gene: FOXC2 (forkhead box C2; plus strand). Cytogenetic location: 16q24.1.
Variant type: single nucleotide variant.
Coding change: c.744C>T on transcript NM_005251.3 (MANE Select); coding-DNA position 744, C replaced by T.
Protein change: p.Pro248=; no amino-acid change (proline 248 retained).
Molecular consequence: synonymous variant.
Genome position (GRCh38, 1-based): chr16:86,568,079, C>T. VCF-style: chr16-86568079-C-T. GRCh37 (hg19) VCF-style: chr16-86601685-C-T.
Other names: c.744C>T (NM_005251.2).
Identifiers: ClinVar variation 2076588 (VCV002076588.6), dbSNP rs375784716, ClinGen allele CA8218393.

ClinVar aggregate classification (germline): Benign. Review status: criteria provided, single submitter (1 of 4 stars). 2 submissions from 2 submitters: Benign (1). 1 of the submissions does not count toward it. Last evaluated 2026-01-12.

Conditions:
FOXC2-related disorder. Also called: FOXC2-related condition.

Allele frequency attached by ClinVar (database versions not stated): gnomAD exomes 0.00006; TOPMed 0.00006; gnomAD 0.00011; 1000 Genomes Project 0.00060; ExAC 0.00094; 1000 Genomes Project 30x 0.00109.

Submissions (2):

Labcorp Genetics (formerly Invitae), Labcorp
Classification: Benign. Last evaluated: 2026-01-12. Review status: criteria provided, single submitter. Criteria: Invitae Variant Classification Sherloc (09022015). Collection method: clinical testing. Allele origin: germline.

PreventionGenetics, part of Exact Sciences
Classification: Likely benign for FOXC2-related condition. Last evaluated: 2022-08-15. Review status: no assertion criteria provided. Collection method: clinical testing. Allele origin: germline. Not counted in ClinVar's aggregate classification.
Comment: This variant is classified as likely benign based on ACMG/AMP sequence variant interpretation guidelines (Richards et al. 2015 PMID: 25741868, with internal and published modifications).